The following is an entry in ClinVar:

NM_001040142.2(SCN2A):c.5518A>T (p.Ile1840Phe)

Gene: SCN2A (sodium voltage-gated channel alpha subunit 2; plus strand). Cytogenetic location: 2q24.3.
Variant type: single nucleotide variant.
Coding change: c.5518A>T on transcript NM_001040142.2 (MANE Select); coding-DNA position 5518, A replaced by T.
Protein change: p.Ile1840Phe; replaces isoleucine 1840 with phenylalanine.
Molecular consequence: missense variant.
Genome position (GRCh38, 1-based): chr2:165,389,324, A>T. VCF-style: chr2-165389324-A-T. GRCh37 (hg19) VCF-style: chr2-166245834-A-T.
Other names: c.5518A>T, p.Ile1840Phe (NM_001040143.2, NM_001371246.1, NM_001371247.1 and 1 more transcripts); short protein forms I1840F.
Identifiers: ClinVar variation 1707000 (VCV001707000.2), dbSNP rs2468159523, ClinGen allele CA349039219.
Genomic context (GRCh38, chr2:165,389,324, plus strand): 5'-GATTTTGCAGATGCCCTGGATCCTCCTCTTCTCATAGCAAAACCCAACAAAGTCCAGCTC[A>T]TTGCCATGGATCTGCCCATGGTGAGTGGTGACCGGATCCACTGTCTTGACATCTTATTTG-3'
Protein context (NP_001035232.1, residues 1830-1850): LIAKPNKVQL[Ile1840Phe]AMDLPMVSGD

ClinVar aggregate classification (germline): Uncertain significance (1 of 4 stars; one submission).

Submission:

GeneDx
Classification: Uncertain significance. Last evaluated: 2022-11-28. Review status: criteria provided, single submitter. Criteria: GeneDx Variant Classification Process June 2021. Collection method: clinical testing. Allele origin: germline. Affected: yes.
Comment: Has not been previously published as pathogenic or benign to our knowledge; Not observed at significant frequency in large population cohorts (gnomAD); In silico analysis supports that this missense variant has a deleterious effect on protein structure/function; Missense variants in this gene are often considered pathogenic (HGMD); This substitution is predicted to be within the C-terminal cytoplasmic domain